The following is an entry in ClinVar:

ClinVar aggregate classification (germline): Conflicting classifications of pathogenicity. Review status: criteria provided, conflicting classifications (1 of 4 stars). 3 submissions from 3 submitters: Uncertain significance (2); Likely benign (1). Last evaluated 2025-10-23.

Conditions:
Dyskeratosis congenita. Identifiers: Orphanet 1775, MedGen C0265965, MONDO:0015780.

Allele frequency attached by ClinVar (database versions not stated): gnomAD 0.00003; ExAC 0.00004; gnomAD exomes 0.00004 and 0.00005; TOPMed 0.00005.

Submissions (5):

Labcorp Genetics (formerly Invitae), Labcorp
Classification: Uncertain significance for Dyskeratosis congenita. Last evaluated: 2025-10-23. Review status: criteria provided, single submitter. Criteria: Invitae Variant Classification Sherloc (09022015). Collection method: clinical testing. Allele origin: germline.
Comment: This sequence change falls in intron 8 of the TINF2 gene. It does not directly change the encoded amino acid sequence of the TINF2 protein. It affects a nucleotide within the consensus splice site. This variant is present in population databases (rs762455414, gnomAD 0.009%). This variant has not been reported in the literature in individuals affected with TINF2-related conditions. ClinVar contains an entry for this variant (Variation ID: 848064). Variants that disrupt the consensus splice site are a relatively common cause of aberrant splicing (PMID: 17576681, 9536098). Algorithms developed to predict the effect of sequence changes on RNA splicing suggest that this variant may disrupt the consensus splice site. In summary, the available evidence is currently insufficient to determine the role of this variant in disease. Therefore, it has been classified as a Variant of Uncertain Significance.

Center for Genomic Medicine, Rigshospitalet, Copenhagen University Hospital
Classification: Uncertain significance. Last evaluated: 2025-03-04. Review status: criteria provided, single submitter. Criteria: ACMG Guidelines, 2015. Collection method: clinical testing. Allele origin: germline.

Blueprint Genetics
Classification: Likely benign. Last evaluated: 2024-03-19. Review status: criteria provided, single submitter. Criteria: ACMG Guidelines, 2015. Collection method: clinical testing. Allele origin: germline.

Dr. Peter K. Rogan Lab, Western University
No classification provided (evidence only). Condition: Cervical cancer. Review status: no classification provided. Collection method: in vitro. Allele origin: not applicable. Functional consequence: retained intron. Not counted in ClinVar's aggregate classification.

Dr. Peter K. Rogan Lab, Western University
No classification provided (evidence only). Condition: Gastric cancer. Review status: no classification provided. Collection method: in vitro. Allele origin: not applicable. Functional consequence: retained intron. Not counted in ClinVar's aggregate classification.

Literature cited by the submitters: PubMed 17576681 (cited by Labcorp Genetics (formerly Invitae), Labcorp); PubMed 9536098 (cited by Labcorp Genetics (formerly Invitae), Labcorp).

NM_001099274.3(TINF2):c.1221+3G>C

Gene: TINF2 (TERF1 interacting nuclear factor 2; minus strand). Cytogenetic location: 14q12.
Variant type: single nucleotide variant.
Coding change: c.1221+3G>C on transcript NM_001099274.3 (MANE Select); 3 bases into the intron after coding-DNA position 1221, G replaced by C.
Molecular consequence: intron variant. On other transcripts: 3 prime UTR variant (1).
Genome position (GRCh38, 1-based): chr14:24,240,061, C>G on the plus strand (G>C on the coding strand, the complement: TINF2 is on the minus strand). VCF-style: chr14-24240061-C-G. GRCh37 (hg19) VCF-style: chr14-24709267-C-G.
Other names: c.*354G>C (NM_012461.3); c.1116+3G>C (NM_001363668.2).
Identifiers: ClinVar variation 848064 (VCV000848064.10), dbSNP rs762455414, ClinGen allele CA7130461.